The following is an entry in ClinVar:

NM_001083893.2(STRN3):c.1100G>A (p.Arg367Lys)

Gene: STRN3 (striatin 3; minus strand). Cytogenetic location: 14q12.
Variant type: single nucleotide variant.
Coding change: c.1100G>A on transcript NM_001083893.2 (MANE Select); coding-DNA position 1100, G replaced by A.
Protein change: p.Arg367Lys; replaces arginine 367 with lysine.
Molecular consequence: missense variant. On other transcripts: intron variant (1).
Genome position (GRCh38, 1-based): chr14:30,919,106, C>T on the plus strand (G>A on the coding strand, the complement: STRN3 is on the minus strand). VCF-style: chr14-30919106-C-T. GRCh37 (hg19) VCF-style: chr14-31388312-C-T.
Other names: c.989-5449G>A (NM_014574.4); short protein forms R367K.
Identifiers: ClinVar variation 2644151 (VCV002644151.24), dbSNP rs143046858, ClinGen allele CA7143770.
Genomic context (GRCh38, chr14:30,919,106, plus strand): 5'-TGGGGCAGCTCATCATCTCCCAGATCAGCTATCATGTCGTAGAGTTTTGTCCTGTTGGCC[C>T]CTGTAAATTAATGTCAGCAGTAGAGGTTCATTTAATGGCTACCGCTTGACTTTCCGGCAG-3'
Protein context (NP_001077362.1, residues 357-377): KERKGKKGVK[Arg367Lys]ANRTKLYDMI

ClinVar aggregate classification (germline): Likely benign (1 of 4 stars; one submission).

Allele frequency attached by ClinVar (database versions not stated): ExAC 0.00159; 1000 Genomes Project 0.00180; 1000 Genomes Project 30x 0.00187; ESP Exome Variant Server 0.00223; gnomAD 0.00253; TOPMed 0.00293.
gnomAD v4.1: 2,178 of 1,599,624 alleles (0.14%); highest among the groups gnomAD compares: Middle Eastern, 0.48%; 10 homozygotes.

Submission:

CeGaT Center for Human Genetics Tuebingen
Classification: Likely benign. Last evaluated: 2022-11-01. Review status: criteria provided, single submitter. Criteria: CeGaT Center For Human Genetics Tuebingen Variant Classification Criteria Version 2. Collection method: clinical testing. Allele origin: germline. Affected: yes. Observed: 1 variant allele.
Comment: STRN3: BS2